The following is an entry in ClinVar:

ClinVar aggregate classification (germline): Conflicting classifications of pathogenicity. Review status: criteria provided, conflicting classifications (1 of 4 stars). 2 submissions from 2 submitters: Uncertain significance (1); Likely benign (1). Last evaluated 2025-06-18.

Conditions:
Hypertrophic cardiomyopathy. Also called: HYPERTROPHIC MYOCARDIOPATHY. Identifiers: Orphanet 217569, MedGen C0007194, MeSH D002312, MONDO:0005045, HP:0001639.
Cardiomyopathy (CMYO). Also called: Cardiomyopathies. Identifiers: Orphanet 167848, MedGen C0878544, MONDO:0004994, HP:0001638. Inheritance: Various modes of inheritance.

Allele frequency attached by ClinVar (database versions not stated): ExAC 0.00001; TOPMed 0.00001; gnomAD 0.00003.

Submissions (2):

Labcorp Genetics (formerly Invitae), Labcorp
Classification: Likely benign for Hypertrophic cardiomyopathy. Last evaluated: 2025-06-18. Review status: criteria provided, single submitter. Criteria: Invitae Variant Classification Sherloc (09022015). Collection method: clinical testing. Allele origin: germline.

Color Diagnostics, LLC DBA Color Health
Classification: Uncertain significance for Cardiomyopathy. Last evaluated: 2023-10-06. Review status: criteria provided, single submitter. Criteria: ACMG Guidelines, 2015. Collection method: clinical testing. Allele origin: germline.
Comment: This variant causes a C to A nucleotide substitution at the -7 position of intron 17 of the MYBPC3 gene. An RNA study using a mini-gene system reported that this variant disrupted normal splicing but did not provide the description of the observed splice defect (PMID: 28679633). This variant has not been reported in individuals affected with MYBPC3-related disorders in the literature. This variant has been identified in 3/279522 chromosomes in the general population by the Genome Aggregation Database (gnomAD). The available evidence is insufficient to determine the role of this variant in disease conclusively. Therefore, this variant is classified as a Variant of Uncertain Significance.

Literature cited by the submitters: PubMed 28679633 (cited by Color Diagnostics, LLC DBA Color Health).

NM_000256.3(MYBPC3):c.1625-7C>A

Gene: MYBPC3 (myosin binding protein C3; minus strand). Cytogenetic location: 11p11.2.
Variant type: single nucleotide variant.
Coding change: c.1625-7C>A on transcript NM_000256.3 (MANE Select); 7 bases into the intron before coding-DNA position 1625, C replaced by A.
Molecular consequence: intron variant.
Genome position (GRCh38, 1-based): chr11:47,342,163, G>T on the plus strand (C>A on the coding strand, the complement: MYBPC3 is on the minus strand). VCF-style: chr11-47342163-G-T. GRCh37 (hg19) VCF-style: chr11-47363714-G-T.
Identifiers: ClinVar variation 2712064 (VCV002712064.4), dbSNP rs760972720, ClinGen allele CA078246.